The following is an entry in ClinVar:

NM_023036.6(DNAI2):c.724G>C (p.Ala242Pro)

Gene: DNAI2 (dynein axonemal intermediate chain 2; plus strand). Cytogenetic location: 17q25.1.
Variant type: single nucleotide variant.
Coding change: c.724G>C on transcript NM_023036.6 (MANE Select); coding-DNA position 724, G replaced by C.
Protein change: p.Ala242Pro; replaces alanine 242 with proline.
Molecular consequence: missense variant. On other transcripts: non-coding transcript variant (1).
Genome position (GRCh38, 1-based): chr17:74,291,133, G>C. VCF-style: chr17-74291133-G-C. GRCh37 (hg19) VCF-style: chr17-72287272-G-C.
Other names: c.724G>C, p.Ala242Pro (NM_001172810.3, NM_001353167.2); short protein forms A242P.
Identifiers: ClinVar variation 3686923 (VCV003686923.2).

ClinVar aggregate classification (germline): Uncertain significance (1 of 4 stars; one submission).

Conditions:
Primary ciliary dyskinesia. Also called: Ciliary dyskinesia. Identifiers: Orphanet 244, MedGen C0008780, MONDO:0016575, HP:0012265.

gnomAD v4.1: 1 of 1,600,488 alleles (0.000062%); highest among the groups gnomAD compares: Non-Finnish European, 0.000086%; no homozygotes.

Submission:

Labcorp Genetics (formerly Invitae), Labcorp
Classification: Uncertain significance for Primary ciliary dyskinesia. Last evaluated: 2025-03-30. Review status: criteria provided, single submitter. Criteria: Invitae Variant Classification Sherloc (09022015). Collection method: clinical testing. Allele origin: germline.
Comment: This sequence change replaces alanine, which is neutral and non-polar, with proline, which is neutral and non-polar, at codon 242 of the DNAI2 protein (p.Ala242Pro). This variant also falls at the last nucleotide of exon 6, which is part of the consensus splice site for this exon. This variant is not present in population databases (gnomAD no frequency). This missense change has been observed in individual(s) with clinical features of primary ciliary dyskinesia (internal data). Invitae Evidence Modeling of protein sequence and biophysical properties (such as structural, functional, and spatial information, amino acid conservation, physicochemical variation, residue mobility, and thermodynamic stability) has been performed for this missense variant. However, the output from this modeling did not meet the statistical confidence thresholds required to predict the impact of this variant on DNAI2 protein function. Variants that disrupt the consensus splice site are a relatively common cause of aberrant splicing (PMID: 17576681, 9536098). Algorithms developed to predict the effect of sequence changes on RNA splicing suggest that this variant may disrupt the consensus splice site. In summary, the available evidence is currently insufficient to determine the role of this variant in disease. Therefore, it has been classified as a Variant of Uncertain Significance.

Literature cited by the submitters: PubMed 17576681; PubMed 9536098.